The following is an entry in ClinVar:

NM_017514.5(PLXNA3):c.4501_4502delinsTG (p.Asp1501Cys)

Gene: PLXNA3 (plexin A3; plus strand). Cytogenetic location: Xq28.
Variant type: Indel.
Coding change: c.4501_4502delinsTG on transcript NM_017514.5 (MANE Select); coding-DNA positions 4501 to 4502, GA replaced by TG.
Protein change: p.Asp1501Cys; replaces aspartic acid 1501 with cysteine.
Molecular consequence: missense variant.
Genome position (GRCh38, 1-based): chrX:154,469,122-154,469,123, GA replaced by TG. VCF-style: chrX-154469122-GA-TG. GRCh37 (hg19) VCF-style: chrX-153697465-GA-TG.
Other names: c.4501_4502delGAinsTG, p.Asp1501Cys (NM_017514.4); short protein forms D1501C.
Identifiers: ClinVar variation 3347108 (VCV003347108.1).

ClinVar aggregate classification (germline): Uncertain significance (0 of 4 stars; one submission).

Conditions:
PLXNA3-related disorder. Also called: PLXNA3-related condition.

Submission:

PreventionGenetics, part of Exact Sciences
Classification: Uncertain significance for PLXNA3-related condition. Last evaluated: 2024-05-16. Review status: no assertion criteria provided. Collection method: clinical testing. Allele origin: germline.
Comment: The PLXNA3 c.4501_4502delinsTG variant is predicted to result in an in-frame deletion and insertion. To our knowledge, this variant has not been reported in the literature or in a large population database, indicating this variant is rare. At this time, the clinical significance of this variant is uncertain due to the absence of conclusive functional and genetic evidence.